The following is an entry in ClinVar:

ClinVar aggregate classification (germline): Uncertain significance. Review status: criteria provided, multiple submitters, no conflicts (2 of 4 stars). 2 submissions from 2 submitters: Uncertain significance (2). Last evaluated 2026-04-14.

Allele frequency attached by ClinVar (database versions not stated): gnomAD exomes below 0.00001; ExAC 0.00001; gnomAD 0.00001; TOPMed 0.00002.
gnomAD v4.1: 4 of 1,614,118 alleles (0.00025%); highest among the groups gnomAD compares: African/African-American, 0.0053%; no homozygotes.

Submissions (2):

GeneDx
Classification: Uncertain significance. Last evaluated: 2026-04-14. Review status: criteria provided, single submitter. Criteria: GeneDx Variant Classification Process June 2021. Collection method: clinical testing. Allele origin: germline.
Comment: In silico analysis supports that this missense variant has a deleterious effect on protein structure/function; Has not been previously published as pathogenic or benign to our knowledge

Labcorp Genetics (formerly Invitae), Labcorp
Classification: Uncertain significance. Last evaluated: 2025-10-08. Review status: criteria provided, single submitter. Criteria: Invitae Variant Classification Sherloc (09022015). Collection method: clinical testing. Allele origin: germline.
Comment: This sequence change replaces glycine, which is neutral and non-polar, with serine, which is neutral and polar, at codon 17 of the OSGEP protein (p.Gly17Ser). This variant is present in population databases (rs752669912, gnomAD 0.01%). This variant has not been reported in the literature in individuals affected with OSGEP-related conditions. ClinVar contains an entry for this variant (Variation ID: 2033171). Invitae Evidence Modeling of protein sequence and biophysical properties (such as structural, functional, and spatial information, amino acid conservation, physicochemical variation, residue mobility, and thermodynamic stability) indicates that this missense variant is not expected to disrupt OSGEP protein function with a negative predictive value of 80%. In summary, the available evidence is currently insufficient to determine the role of this variant in disease. Therefore, it has been classified as a Variant of Uncertain Significance.

NM_017807.4(OSGEP):c.49G>A (p.Gly17Ser)

Genes: OSGEP (O-sialoglycoprotein endopeptidase; minus strand), LOC107372315 (OSGEP/APEX1 bi-directional promoter region; plus strand). Cytogenetic location: 14q11.2.
Variant type: single nucleotide variant.
Coding change: c.49G>A on transcript NM_017807.4 (MANE Select); coding-DNA position 49, G replaced by A.
Protein change: p.Gly17Ser; replaces glycine 17 with serine.
Molecular consequence: missense variant.
Genome position (GRCh38, 1-based): chr14:20,454,635, C>T on the plus strand (G>A on the coding strand, the complement: OSGEP is on the minus strand). VCF-style: chr14-20454635-C-T. GRCh37 (hg19) VCF-style: chr14-20922794-C-T.
Other names: c.49G>A (NM_017807.3); short protein forms G17S.
Identifiers: ClinVar variation 2033171 (VCV002033171.6), dbSNP rs752669912, ClinGen allele CA7081365.